The following is an entry in ClinVar:

NM_031885.5(BBS2):c.717+5G>A

Gene: BBS2 (Bardet-Biedl syndrome 2; minus strand). Cytogenetic location: 16q13.
Variant type: single nucleotide variant.
Coding change: c.717+5G>A on transcript NM_031885.5 (MANE Select); 5 bases into the intron after coding-DNA position 717, G replaced by A.
Molecular consequence: intron variant.
Genome position (GRCh38, 1-based): chr16:56,506,115, C>T on the plus strand (G>A on the coding strand, the complement: BBS2 is on the minus strand). VCF-style: chr16-56506115-C-T. GRCh37 (hg19) VCF-style: chr16-56540027-C-T.
Other names: c.717+5G>A (NM_001377456.1).
Identifiers: ClinVar variation 935479 (VCV000935479.8), dbSNP rs1567579212, ClinGen allele CA914103613.
Genomic context (GRCh38, chr16:56,506,115, plus strand): 5'-AATTAGCACAGAAGTCTCACAATAACTATCAAGCGCCTGAATATCAAAGGCTAAATTATA[C>T]TAACTTTAATTCTCCAGTATCGGGATGTTTTGTCATAAACTCCAACTGTGCCATTGGAAA-3'

ClinVar aggregate classification (germline): Uncertain significance. Review status: criteria provided, multiple submitters, no conflicts (2 of 4 stars). 2 submissions from 2 submitters: Uncertain significance (2). Last evaluated 2022-02-04.

Conditions:
Bardet-Biedl syndrome (BBS). Identifiers: Orphanet 110, MedGen C0752166, MONDO:0015229.

Allele frequency attached by ClinVar (database versions not stated): gnomAD exomes below 0.00001; gnomAD 0.00001.
gnomAD v4.1: 2 of 1,612,632 alleles (0.00012%); highest among the groups gnomAD compares: Non-Finnish European, 0.00017%; no homozygotes.

Submissions (2):

Labcorp Genetics (formerly Invitae), Labcorp
Classification: Uncertain significance for Bardet-Biedl syndrome. Last evaluated: 2022-02-04. Review status: criteria provided, single submitter. Criteria: Invitae Variant Classification Sherloc (09022015). Collection method: clinical testing. Allele origin: germline.
Comment: In summary, the available evidence is currently insufficient to determine the role of this variant in disease. Therefore, it has been classified as a Variant of Uncertain Significance. Variants that disrupt the consensus splice site are a relatively common cause of aberrant splicing (PMID: 17576681, 9536098). Algorithms developed to predict the effect of sequence changes on RNA splicing suggest that this variant may disrupt the consensus splice site. ClinVar contains an entry for this variant (Variation ID: 935479). This variant has not been reported in the literature in individuals affected with BBS2-related conditions. This variant is not present in population databases (gnomAD no frequency). This sequence change falls in intron 6 of the BBS2 gene. It does not directly change the encoded amino acid sequence of the BBS2 protein. It affects a nucleotide within the consensus splice site.

Blueprint Genetics
Classification: Uncertain significance. Last evaluated: 2021-05-10. Review status: criteria provided, single submitter. Criteria: ACMG Guidelines, 2015. Collection method: clinical testing. Allele origin: germline.

Literature cited by the submitters: PubMed 17576681 (cited by Labcorp Genetics (formerly Invitae), Labcorp); PubMed 9536098 (cited by Labcorp Genetics (formerly Invitae), Labcorp).